The following is an entry in ClinVar:

ClinVar aggregate classification (germline): Uncertain significance. Review status: criteria provided, multiple submitters, no conflicts (2 of 4 stars). 4 submissions from 4 submitters: Uncertain significance (3). 1 of the submissions does not count toward it. Last evaluated 2024-01-06.

Conditions:
Inborn genetic diseases. Identifiers: MedGen C0950123, MeSH D030342.
Smith-Lemli-Opitz syndrome (SLOS). Also called: 7-Dehydrocholesterol reductase deficiency; POLYDACTYLY, SEX REVERSAL, RENAL HYPOPLASIA, AND UNILOBAR LUNG; RSH SYNDROME; RUTLEDGE LETHAL MULTIPLE CONGENITAL ANOMALY SYNDROME; LETHAL ACRODYSGENITAL SYNDROME. Identifiers: Orphanet 818, MedGen C0175694, MONDO:0010035, OMIM 270400.

Allele frequency attached by ClinVar (database versions not stated): gnomAD 0.00001; TOPMed 0.00001.
gnomAD v4.1: 20 of 1,613,730 alleles (0.0012%); highest among the groups gnomAD compares: South Asian, 0.0044%; no homozygotes.

Submissions (4):

Fulgent Genetics
Classification: Uncertain significance for Smith-Lemli-Opitz syndrome. Last evaluated: 2024-01-06. Review status: criteria provided, single submitter. Criteria: ACMG Guidelines, 2015. Collection method: clinical testing. Allele origin: germline.

Women's Health and Genetics/Laboratory Corporation of America, LabCorp
Classification: Uncertain significance. Last evaluated: 2017-12-18. Review status: criteria provided, single submitter. Criteria: LabCorp Variant Classification Summary - May 2015. Collection method: clinical testing. Allele origin: germline.
Comment: Variant summary: The DHCR7 c.956C>T (p.Thr319Met) variant involves the alteration of a conserved nucleotide. 5/5 in silico tools predict a damaging outcome for this variant. This variant was found in 6/246018 control chromosomes (gnomAD) at a frequency of 0.0000244, which does not exceed the estimated maximal expected allele frequency of a pathogenic DHCR7 variant (0.0043301). The variant has been reported once, to our knowledge, in an affected individual in the literature, without strong evidence for causality (Waterham_2000). The variant has been reported in one database (HGMD), citing the above mentioned publications. Taken together, this variant is classified as VUS.

Ambry Genetics
Classification: Uncertain significance for Inborn genetic diseases. Last evaluated: 2015-11-06. Review status: criteria provided, single submitter. Criteria: Ambry Variant Classification Scheme 2023. Collection method: clinical testing. Allele origin: germline.
Comment: The p.T319M variant (also known as c.956C>T), located in coding exon 6 of the DHCR7 gene, results from a C to T substitution at nucleotide position 956. The threonine at codon 319 is replaced by methionine, an amino acid with similar properties. This variant is located in the transmembrane domain of the DHCR7 gene and has been described as a mutation found in at least one individual with SLOS; however, phenotypic details and additional information about a second mutation in this individual was provided (Yu H, et al. Clin. Genet. 2005 Nov; 68(5):383-91; Waterham HR, et al. Biochim. Biophys. Acta 2000 Dec; 1529(1-3):340-56; Jira PE, et al. Ann. Hum. Genet. 2003 May; 67(Pt 3):269-80). This variant was not reported in population based cohorts in the following databases: Database of Single Nucleotide Polymorphisms (dbSNP), NHLBI Exome Sequencing Project (ESP), and 1000 Genomes Project. In the ESP, this variant was not observed in 6494 samples (12988 alleles) with coverage at this position. This amino acid position is highly conserved in available vertebrate species. In addition, this alteration is predicted to be deleterious by in silico analysis. Since supporting evidence is limited at this time, the clinical significance of p.T319M remains unclear.

Natera, Inc.
Classification: Uncertain significance for Smith-Lemli-Opitz syndrome. Last evaluated: 2018-09-23. Review status: no assertion criteria provided. Collection method: clinical testing. Allele origin: germline. Not counted in ClinVar's aggregate classification.

Literature cited by the submitters: PubMed 12914579 (cited by Women's Health and Genetics/Laboratory Corporation of America, LabCorp and Ambry Genetics); PubMed 11111101 (cited by Women's Health and Genetics/Laboratory Corporation of America, LabCorp and Ambry Genetics); PubMed 27401223 (cited by Women's Health and Genetics/Laboratory Corporation of America, LabCorp); PubMed 11427181 (cited by Ambry Genetics); PubMed 16207203 (cited by Ambry Genetics); PubMed 9683613 (cited by Ambry Genetics).

NM_001360.3(DHCR7):c.956C>T (p.Thr319Met)

Gene: DHCR7 (7-dehydrocholesterol reductase; minus strand). Cytogenetic location: 11q13.4.
Variant type: single nucleotide variant.
Coding change: c.956C>T on transcript NM_001360.3 (MANE Select); coding-DNA position 956, C replaced by T.
Protein change: p.Thr319Met; replaces threonine 319 with methionine.
Molecular consequence: missense variant.
Genome position (GRCh38, 1-based): chr11:71,437,819, G>A on the plus strand (C>T on the coding strand, the complement: DHCR7 is on the minus strand). VCF-style: chr11-71437819-G-A. GRCh37 (hg19) VCF-style: chr11-71148865-G-A.
Other names: c.956C>T, p.Thr319Met (NM_001163817.2); short protein forms T319M.
Identifiers: ClinVar variation 632784 (VCV000632784.6), dbSNP rs766583874, ClinGen allele CA6162398.
Genomic context (GRCh38, chr11:71,437,819, plus strand): 5'-TTAGCATGTGTCTGCCAAATGCCCCGCTGGGCCAGCTCTGCCCACCTCCTCACCTGCAGC[G>A]TGTAAAGATAAGGCAGCCAGACACAGTCGCCCCAGCCCAGGTACCACCCGAAGTGGTCAT-3'
Protein context (NP_001351.2, residues 309-329): GDCVWLPYLY[Thr319Met]LQGLYLVYHP